The following is an entry in ClinVar:

NM_001278293.3(ARL6):c.266C>G (p.Ala89Gly)

Gene: ARL6 (ARF like GTPase 6; plus strand). Cytogenetic location: 3q11.2.
Variant type: single nucleotide variant.
Coding change: c.266C>G on transcript NM_001278293.3 (MANE Select); coding-DNA position 266, C replaced by G.
Protein change: p.Ala89Gly; replaces alanine 89 with glycine.
Molecular consequence: missense variant. On other transcripts: non-coding transcript variant (7).
Genome position (GRCh38, 1-based): chr3:97,784,966, C>G. VCF-style: chr3-97784966-C-G. GRCh37 (hg19) VCF-style: chr3-97503810-C-G.
Other names: c.266C>G, p.Ala89Gly (NM_001323513.2, NM_001323514.2, NM_032146.5 and 1 more transcripts); c.266C>G (NM_177976.1); short protein forms A89G.
Identifiers: ClinVar variation 900888 (VCV000900888.12), dbSNP rs587777805, ClinGen allele CA2505918.

ClinVar aggregate classification (germline): Uncertain significance. Review status: criteria provided, multiple submitters, no conflicts (2 of 4 stars). 9 submissions from 8 submitters: Uncertain significance (9). Last evaluated 2026-04-27.

Conditions:
ARL6-related disorder. Also called: ARL6-related condition.
Retinitis pigmentosa 55 (RP55). Identifiers: Orphanet 791, MedGen C3150808, MONDO:0013312, OMIM 613575.
Bardet-Biedl syndrome 3 (BBS3). Identifiers: Orphanet 110, MedGen C1859564, MONDO:0010832, OMIM 600151.
Retinitis pigmentosa (RP). Identifiers: Orphanet 791, MedGen C0035334, MeSH D012174, MONDO:0019200, OMIM 268000. Inheritance: Autosomal dominant, autosomal recessive and X linked inheritance.
Bardet-Biedl syndrome 1 (BBS1). Identifiers: MedGen C2936862, MONDO:0008854, OMIM 209900. Disease mechanism: loss of function.
Inborn genetic diseases. Identifiers: MedGen C0950123, MeSH D030342.

Allele frequency attached by ClinVar (database versions not stated): TOPMed 0.00001; gnomAD 0.00002 and 0.00003; ExAC 0.00004; gnomAD exomes 0.00005.
gnomAD v4.1: 30 of 1,611,186 alleles (0.0019%); highest among the groups gnomAD compares: South Asian, 0.0088%; no homozygotes.

Submissions (9):

PreventionGenetics, part of Exact Sciences
Classification: Uncertain significance for ARL6-related condition. Last evaluated: 2026-04-27. Review status: criteria provided, single submitter. Criteria: ACMG Guidelines, 2015. Collection method: clinical testing. Allele origin: germline.
Comment: The ARL6 c.266C>G variant is predicted to result in the amino acid substitution p.Ala89Gly. To our knowledge, this variant has not been reported in the literature. This variant is reported in 0.079% of alleles in individuals of Ashkenazi Jewish descent in gnomAD. Although we suspect that this variant may be benign, at this time, the clinical significance of this variant is uncertain due to the absence of conclusive functional and genetic evidence.

Fulgent Genetics
Classification: Uncertain significance for Bardet-Biedl syndrome 1; Bardet-Biedl syndrome 3; Retinitis pigmentosa 55. Last evaluated: 2024-06-14. Review status: criteria provided, single submitter. Criteria: ACMG Guidelines, 2015. Collection method: clinical testing. Allele origin: germline.

GeneDx
Classification: Uncertain significance. Last evaluated: 2024-01-17. Review status: criteria provided, single submitter. Criteria: GeneDx Variant Classification Process June 2021. Collection method: clinical testing. Allele origin: germline. Affected: yes.
Comment: In silico analysis supports that this missense variant does not alter protein structure/function; Has not been previously published as pathogenic or benign to our knowledge

Ambry Genetics
Classification: Uncertain significance for Inborn genetic diseases. Last evaluated: 2023-12-21. Review status: criteria provided, single submitter. Criteria: Ambry Variant Classification Scheme 2023. Collection method: clinical testing. Allele origin: germline.

Blueprint Genetics
Classification: Uncertain significance. Last evaluated: 2023-01-27. Review status: criteria provided, single submitter. Criteria: ACMG Guidelines, 2015. Collection method: clinical testing. Allele origin: germline.

Department of Pathology and Laboratory Medicine, Sinai Health System
Classification: Uncertain significance for Bardet-Biedl syndrome 3. Last evaluated: 2022-02-04. Review status: criteria provided, single submitter. Criteria: ACMG Guidelines, 2015. Collection method: research. Allele origin: germline.

Labcorp Genetics (formerly Invitae), Labcorp
Classification: Uncertain significance for Retinitis pigmentosa 55; Bardet-Biedl syndrome 3. Last evaluated: 2021-11-10. Review status: criteria provided, single submitter. Criteria: Invitae Variant Classification Sherloc (09022015). Collection method: clinical testing. Allele origin: germline.
Comment: This sequence change replaces alanine, which is neutral and non-polar, with glycine, which is neutral and non-polar, at codon 89 of the ARL6 protein (p.Ala89Gly). This variant is present in population databases (rs587777805, gnomAD 0.07%). This variant has not been reported in the literature in individuals affected with ARL6-related conditions. ClinVar contains an entry for this variant (Variation ID: 900888). Algorithms developed to predict the effect of missense changes on protein structure and function (SIFT, PolyPhen-2, Align-GVGD) all suggest that this variant is likely to be tolerated. Algorithms developed to predict the effect of sequence changes on RNA splicing suggest that this variant may create or strengthen a splice site. In summary, the available evidence is currently insufficient to determine the role of this variant in disease. Therefore, it has been classified as a Variant of Uncertain Significance.

Illumina Laboratory Services, Illumina
Classification: Uncertain significance for Bardet-Biedl syndrome 3. Last evaluated: 2018-01-13. Review status: criteria provided, single submitter. Criteria: ICSL Variant Classification Criteria 13 December 2019. Collection method: clinical testing. Allele origin: germline.

Illumina Laboratory Services, Illumina
Classification: Uncertain significance for Retinitis pigmentosa. Last evaluated: 2018-01-13. Review status: criteria provided, single submitter. Criteria: ICSL Variant Classification Criteria 13 December 2019. Collection method: clinical testing. Allele origin: germline.